The following is an entry in ClinVar:

ClinVar aggregate classification (germline): Uncertain significance (1 of 4 stars; one submission).

Conditions:
Imerslund-Grasbeck syndrome. Also called: PERNICIOUS ANEMIA, JUVENILE, DUE TO SELECTIVE INTESTINAL MALABSORPTION OF VITAMIN B12, WITH PROTEINURIA; ENTEROCYTE COBALAMIN MALABSORPTION; ENTEROCYTE INTRINSIC FACTOR RECEPTOR, DEFECT OF; Megaloblastic anemia due to inborn errors of metabolism; Imerslund-Gräsbeck syndrome. Identifiers: Orphanet 35858, MedGen C4551825, MONDO:0009853.

Allele frequency attached by ClinVar (database versions not stated): gnomAD 0.00005; gnomAD exomes 0.00006; ExAC 0.00009; 1000 Genomes Project 30x 0.00031; 1000 Genomes Project 0.00040.
gnomAD v4.1: 45 of 1,613,804 alleles (0.0028%); highest among the groups gnomAD compares: South Asian, 0.044%; no homozygotes.

Submission:

Labcorp Genetics (formerly Invitae), Labcorp
Classification: Uncertain significance for Imerslund-Grasbeck syndrome. Last evaluated: 2021-09-02. Review status: criteria provided, single submitter. Criteria: Invitae Variant Classification Sherloc (09022015). Collection method: clinical testing. Allele origin: germline.
Comment: This sequence change replaces glycine with serine at codon 1698 of the CUBN protein (p.Gly1698Ser). The glycine residue is highly conserved and there is a small physicochemical difference between glycine and serine. This variant is present in population databases (rs201661017, ExAC 0.05%). This variant has not been reported in the literature in individuals affected with CUBN-related conditions. Algorithms developed to predict the effect of missense changes on protein structure and function are either unavailable or do not agree on the potential impact of this missense change (SIFT: "Tolerated"; PolyPhen-2: "Probably Damaging"; Align-GVGD: "Class C0"). Algorithms developed to predict the effect of sequence changes on RNA splicing suggest that this variant may create or strengthen a splice site. In summary, the available evidence is currently insufficient to determine the role of this variant in disease. Therefore, it has been classified as a Variant of Uncertain Significance.

NM_001081.4(CUBN):c.5092G>A (p.Gly1698Ser)

Gene: CUBN (cubilin; minus strand). Cytogenetic location: 10p13.
Variant type: single nucleotide variant.
Coding change: c.5092G>A on transcript NM_001081.4 (MANE Select); coding-DNA position 5092, G replaced by A.
Protein change: p.Gly1698Ser; replaces glycine 1698 with serine.
Molecular consequence: missense variant.
Genome position (GRCh38, 1-based): chr10:16,948,595, C>T on the plus strand (G>A on the coding strand, the complement: CUBN is on the minus strand). VCF-style: chr10-16948595-C-T. GRCh37 (hg19) VCF-style: chr10-16990594-C-T.
Other names: short protein forms G1698S.
Identifiers: ClinVar variation 1061019 (VCV001061019.6), dbSNP rs201661017, ClinGen allele CA5424130.